The following is an entry in ClinVar:

ClinVar aggregate classification (germline): Benign/Likely benign. Review status: criteria provided, multiple submitters, no conflicts (2 of 4 stars). 6 submissions from 6 submitters: Benign (2); Likely benign (3). 1 of the submissions does not count toward it. Last evaluated 2026-02-01.

Conditions:
Duchenne muscular dystrophy (DMD). Also called: Duchenne Muscular Dystrophy (DMD); MUSCULAR DYSTROPHY, PSEUDOHYPERTROPHIC PROGRESSIVE, DUCHENNE TYPE. Identifiers: Orphanet 98896, MedGen C0013264, MONDO:0010679, OMIM 310200.
Dystrophin deficiency.
Cardiomyopathy (CMYO). Also called: Cardiomyopathies. Identifiers: Orphanet 167848, MedGen C0878544, MONDO:0004994, HP:0001638. Inheritance: Various modes of inheritance.
Becker muscular dystrophy (BMD). Also called: MUSCULAR DYSTROPHY, PSEUDOHYPERTROPHIC PROGRESSIVE, BECKER TYPE; Becker Muscular Dystrophy (BMD). Identifiers: Orphanet 98895, MedGen C0917713, MONDO:0010311, OMIM 300376.
Cardiovascular phenotype. Identifiers: MedGen CN230736.

Allele frequency attached by ClinVar (database versions not stated): gnomAD 0.00001 and 0.00004; TOPMed 0.00006; ExAC 0.00011; gnomAD exomes 0.00011; 1000 Genomes Project 30x 0.00062; 1000 Genomes Project 0.00079.
gnomAD v4.1: 30 of 1,186,196 alleles (0.0025%); highest among the groups gnomAD compares: East Asian, 0.04%; no homozygotes.

Submissions (6):

CeGaT Center for Human Genetics Tuebingen
Classification: Likely benign. Last evaluated: 2026-02-01. Review status: criteria provided, single submitter. Criteria: CeGaT Center For Human Genetics Tuebingen Variant Classification Criteria Version 2. Collection method: clinical testing. Allele origin: germline. Affected: yes. Observed: 1 variant allele.
Comment: DMD: BS2

Labcorp Genetics (formerly Invitae), Labcorp
Classification: Likely benign for Duchenne muscular dystrophy. Last evaluated: 2026-01-27. Review status: criteria provided, single submitter. Criteria: Invitae Variant Classification Sherloc (09022015). Collection method: clinical testing. Allele origin: germline.

Ambry Genetics
Classification: Likely benign for Cardiovascular phenotype. Last evaluated: 2021-07-05. Review status: criteria provided, single submitter. Criteria: Ambry Variant Classification Scheme 2023. Collection method: clinical testing. Allele origin: germline.

Athena Diagnostics
Classification: Benign. Last evaluated: 2018-12-31. Review status: criteria provided, single submitter. Criteria: Athena Diagnostics Criteria. Collection method: clinical testing. Allele origin: germline.

GeneDx
Classification: Benign. Last evaluated: 2015-09-23. Review status: criteria provided, single submitter. Criteria: GeneDx Variant Classification (06012015). Collection method: clinical testing. Allele origin: germline. Affected: yes.
Comment: This variant is considered likely benign or benign based on one or more of the following criteria: it is a conservative change, it occurs at a poorly conserved position in the protein, it is predicted to be benign by multiple in silico algorithms, and/or has population frequency not consistent with disease.

Natera, Inc.
Classification: Likely benign for Becker muscular dystrophy; Cardiomyopathy; Duchenne muscular dystrophy; Dystrophin deficiency. Last evaluated: 2019-06-25. Review status: no assertion criteria provided. Collection method: clinical testing. Allele origin: germline. Not counted in ClinVar's aggregate classification.

NM_004006.3(DMD):c.832-3C>T

Gene: DMD (dystrophin; minus strand). Cytogenetic location: Xp21.1.
Variant type: single nucleotide variant.
Coding change: c.832-3C>T on transcript NM_004006.3 (MANE Select); 3 bases into the intron before coding-DNA position 832, C replaced by T.
Molecular consequence: intron variant.
Genome position (GRCh38, 1-based): chrX:32,698,001, G>A on the plus strand (C>T on the coding strand, the complement: DMD is on the minus strand). VCF-style: chrX-32698001-G-A. GRCh37 (hg19) VCF-style: chrX-32716118-G-A.
Other names: c.808-3C>T (NM_000109.4); c.820-3C>T (NM_004009.3); c.463-3C>T (NM_004010.3).
Identifiers: ClinVar variation 377774 (VCV000377774.20), dbSNP rs777492476, ClinGen allele CA10380046.
Genomic context (GRCh38, chrX:32,698,001, plus strand): 5'-TGAATCGAGGCTTAGGGGAAGAAGTTCTCTCATATCCCTGTGCTAGACTGACCGTGATCT[G>A]CAGAGAAGGGTTTGGGGGAGTGGATAGAGAGGAGGGGGAAAAACCATAAGTAACCCGAAA-3'